The following is an entry in ClinVar:

ClinVar aggregate classification (germline): Likely benign (0 of 4 stars; one submission).

Conditions:
ATXN1-related disorder. Also called: ATXN1-related condition.

gnomAD v4.1: 70 of 1,613,278 alleles (0.0043%); highest among the groups gnomAD compares: Middle Eastern, 0.049%; no homozygotes.

Submission:

PreventionGenetics, part of Exact Sciences
Classification: Likely benign for ATXN1-related condition. Last evaluated: 2019-03-28. Review status: no assertion criteria provided. Collection method: clinical testing. Allele origin: germline.
Comment: This variant is classified as likely benign based on ACMG/AMP sequence variant interpretation guidelines (Richards et al. 2015 PMID: 25741868, with internal and published modifications).

NM_001128164.2(ATXN1):c.1398C>T (p.Ser466=)

Gene: ATXN1 (ataxin 1; minus strand). Cytogenetic location: 6p22.3.
Variant type: single nucleotide variant.
Coding change: c.1398C>T on transcript NM_001128164.2 (MANE Select); coding-DNA position 1398, C replaced by T.
Protein change: p.Ser466=; no amino-acid change (serine 466 retained).
Molecular consequence: synonymous variant. On other transcripts: 3 prime UTR variant (1).
Genome position (GRCh38, 1-based): chr6:16,326,913, G>A on the plus strand (C>T on the coding strand, the complement: ATXN1 is on the minus strand). VCF-style: chr6-16326913-G-A. GRCh37 (hg19) VCF-style: chr6-16327144-G-A.
Other names: c.1398C>T, p.Ser466= (NM_000332.4); c.*811C>T (NM_001357857.2).
Identifiers: ClinVar variation 3353075 (VCV003353075.1).